The following is an entry in ClinVar:

NM_020297.4(ABCC9):c.3668C>A (p.Thr1223Lys)

Genes: ABCC9 (ATP binding cassette subfamily C member 9; minus strand), KCNJ8-AS1 (KCNJ8 antisense RNA 1; plus strand). Cytogenetic location: 12p12.1.
Variant type: single nucleotide variant.
Coding change: c.3668C>A on transcript NM_020297.4 (MANE Select); coding-DNA position 3668, C replaced by A.
Protein change: p.Thr1223Lys; replaces threonine 1223 with lysine.
Molecular consequence: missense variant.
Genome position (GRCh38, 1-based): chr12:21,828,959, G>T on the plus strand (C>A on the coding strand, the complement: ABCC9 is on the minus strand). VCF-style: chr12-21828959-G-T. GRCh37 (hg19) VCF-style: chr12-21981893-G-T.
Other names: c.3668C>A, p.Thr1223Lys (NM_001377273.1, NM_005691.4); c.2801C>A, p.Thr934Lys (NM_001377274.1); short protein forms T934K, T1223K.
Identifiers: ClinVar variation 1486243 (VCV001486243.8), dbSNP rs137907278, ClinGen allele CA384139770.

ClinVar aggregate classification (germline): Uncertain significance (1 of 4 stars; one submission).

Conditions:
Dilated cardiomyopathy 1O (CMD1O). Also called: CARDIOMYOPATHY, DILATED, WITH VENTRICULAR TACHYCARDIA. Identifiers: Orphanet 154, MedGen C1837839, MONDO:0012062, OMIM 608569.

Submission:

Labcorp Genetics (formerly Invitae), Labcorp
Classification: Uncertain significance for Dilated cardiomyopathy 1O. Last evaluated: 2020-11-02. Review status: criteria provided, single submitter. Criteria: Invitae Variant Classification Sherloc (09022015). Collection method: clinical testing. Allele origin: germline.
Comment: This sequence change replaces threonine with lysine at codon 1223 of the ABCC9 protein (p.Thr1223Lys). The threonine residue is moderately conserved and there is a moderate physicochemical difference between threonine and lysine. This variant is not present in population databases (ExAC no frequency). This variant has not been reported in the literature in individuals with ABCC9-related conditions. Algorithms developed to predict the effect of missense changes on protein structure and function are either unavailable or do not agree on the potential impact of this missense change (SIFT: "Deleterious"; PolyPhen-2: "Benign"; Align-GVGD: "Class C0"). In summary, the available evidence is currently insufficient to determine the role of this variant in disease. Therefore, it has been classified as a Variant of Uncertain Significance.